The following is an entry in ClinVar:

NM_006005.3(WFS1):c.1779G>C (p.Glu593Asp)

Gene: WFS1 (wolframin ER transmembrane glycoprotein; plus strand). Cytogenetic location: 4p16.1.
Variant type: single nucleotide variant.
Coding change: c.1779G>C on transcript NM_006005.3 (MANE Select); coding-DNA position 1779, G replaced by C.
Protein change: p.Glu593Asp; replaces glutamic acid 593 with aspartic acid.
Molecular consequence: missense variant.
Genome position (GRCh38, 1-based): chr4:6,301,574, G>C. VCF-style: chr4-6301574-G-C. GRCh37 (hg19) VCF-style: chr4-6303301-G-C.
Other names: c.1779G>C, p.Glu593Asp (NM_001145853.1); short protein forms E593D.
Identifiers: ClinVar variation 215362 (VCV000215362.24), dbSNP rs144783536, ClinGen allele CA320964.

ClinVar aggregate classification (germline): Conflicting classifications of pathogenicity. Review status: criteria provided, conflicting classifications (1 of 4 stars). 10 submissions from 10 submitters: Uncertain significance (1); Benign (1); Likely benign (5). 3 of the submissions do not count toward it. Last evaluated 2025-12-29.

Conditions:
WFS1-related disorder. Identifiers: MedGen CN379391, MONDO:0700293.
Inborn genetic diseases. Identifiers: MedGen C0950123, MeSH D030342.
Wolfram syndrome 1 (WFS1). Identifiers: Orphanet 3463, MedGen C4551693, MONDO:0009101, OMIM 222300.

Allele frequency attached by ClinVar (database versions not stated): gnomAD exomes 0.00015; ExAC 0.00017; gnomAD 0.00061 and 0.00063; 1000 Genomes Project 30x 0.00062; ESP Exome Variant Server 0.00069; TOPMed 0.00069; 1000 Genomes Project 0.00080.
gnomAD v4.1: 177 of 1,614,158 alleles (0.011%); highest among the groups gnomAD compares: African/African-American, 0.22%; no homozygotes.

Submissions (10):

Labcorp Genetics (formerly Invitae), Labcorp
Classification: Benign. Last evaluated: 2025-12-29. Review status: criteria provided, single submitter. Criteria: Invitae Variant Classification Sherloc (09022015). Collection method: clinical testing. Allele origin: germline.

Blueprint Genetics
Classification: Likely benign. Last evaluated: 2024-02-19. Review status: criteria provided, single submitter. Criteria: ACMG Guidelines, 2015. Collection method: clinical testing. Allele origin: germline.

Ambry Genetics
Classification: Likely benign for Inborn genetic diseases. Last evaluated: 2021-06-25. Review status: criteria provided, single submitter. Criteria: Ambry Variant Classification Scheme 2023. Collection method: clinical testing. Allele origin: germline.

GeneDx
Classification: Likely benign. Last evaluated: 2021-01-11. Review status: criteria provided, single submitter. Criteria: GeneDx Variant Classification Process June 2021. Collection method: clinical testing. Allele origin: germline. Affected: yes.

Eurofins Ntd Llc (ga)
Classification: Likely benign. Last evaluated: 2016-08-17. Review status: criteria provided, single submitter. Criteria: EGL Classification Definitions 2015. Collection method: clinical testing. Allele origin: germline. Observed: 1 variant allele, 1 heterozygote.

Laboratory for Molecular Medicine, Mass General Brigham Personalized Medicine
Classification: Likely benign. Last evaluated: 2016-02-07. Review status: criteria provided, single submitter. Criteria: LMM Criteria. Collection method: clinical testing. Allele origin: germline. Observed: 1 variant allele.
Comment: p.Glu593Asp in exon 8 of WFS1: This variant is not expected to have clinical si gnificance due to a lack of conservation across species, including mammals. Of n ote, 10 mammals have an aspartic acid (Asp) at this position despite high nearby amino acid conservation. In addition, computational prediction tools do not sug gest a high likelihood of impact to the protein. It has been identified in 0.2% (19/10398) of African chromosomes by the Exome Aggregation Consortium (ExAC; dbSNP rs144783536).

Clinical Genomics, Uppaluri K&H Personalized Medicine Clinic
Classification: Uncertain significance for Wolfram syndrome 1. Review status: criteria provided, single submitter. Criteria: K & H Uppaluri Personalized Medicine Clinic Variant Classification & Assertion Criteria_Updated V.1. Collection method: research. Allele origin: unknown. Inheritance: Autosomal recessive inheritance.
Comment: Potent mutations in WFS1 gene are associated with Wolfram's syndrome, an autosomal recessive condition, which cause diabetes mellitus, diabetes insipidus, deafness and optic atrophy.However no sufficient evidence is found to ascertain the role of this particular variant rs144783536 in Wolfram's syndrome yet.

PreventionGenetics, part of Exact Sciences
Classification: Likely benign for WFS1-related condition. Last evaluated: 2022-05-20. Review status: no assertion criteria provided. Collection method: clinical testing. Allele origin: germline. Not counted in ClinVar's aggregate classification.
Comment: This variant is classified as likely benign based on ACMG/AMP sequence variant interpretation guidelines (Richards et al. 2015 PMID: 25741868, with internal and published modifications).

Clinical Genetics, Academic Medical Center
Classification: Likely benign. Review status: no assertion criteria provided. Collection method: clinical testing. Allele origin: germline. Affected: yes. Study: VKGL Data-share Consensus. Not counted in ClinVar's aggregate classification.

Laboratory of Diagnostic Genome Analysis, Leiden University Medical Center (LUMC)
Classification: Likely benign. Review status: no assertion criteria provided. Collection method: clinical testing. Allele origin: germline. Affected: yes. Study: VKGL Data-share Consensus. Not counted in ClinVar's aggregate classification.

Literature cited by the submitters: PubMed 17603484 (cited by Clinical Genomics, Uppaluri K&H Personalized Medicine Clinic); PubMed 20301750 (cited by Clinical Genomics, Uppaluri K&H Personalized Medicine Clinic); PubMed 18060660 (cited by Clinical Genomics, Uppaluri K&H Personalized Medicine Clinic); PubMed 12955714 (cited by Clinical Genomics, Uppaluri K&H Personalized Medicine Clinic); PubMed 33879153 (cited by Clinical Genomics, Uppaluri K&H Personalized Medicine Clinic); PubMed 20738327 (cited by Clinical Genomics, Uppaluri K&H Personalized Medicine Clinic).